The following is an entry in ClinVar:

NM_000277.3(PAH):c.1249T>A (p.Tyr417Asn)

Gene: PAH (phenylalanine hydroxylase; minus strand). Cytogenetic location: 12q23.2.
Variant type: single nucleotide variant.
Coding change: c.1249T>A on transcript NM_000277.3 (MANE Select); coding-DNA position 1249, T replaced by A.
Protein change: p.Tyr417Asn; replaces tyrosine 417 with asparagine.
Molecular consequence: missense variant.
Genome position (GRCh38, 1-based): chr12:102,840,466, A>T on the plus strand (T>A on the coding strand, the complement: PAH is on the minus strand). VCF-style: chr12-102840466-A-T. GRCh37 (hg19) VCF-style: chr12-103234244-A-T.
Other names: c.1249T>A, p.Tyr417Asn (NM_001354304.2); c.1249T>A (NM_000277.2); short protein forms Y417N.
Identifiers: ClinVar variation 102578 (VCV000102578.2), dbSNP rs62644471, ClinGen allele CA229415.

ClinVar aggregate classification (germline): Likely pathogenic. Review status: criteria provided, single submitter (1 of 4 stars). 2 submissions from 2 submitters: Likely pathogenic (1). 1 of the submissions does not count toward it. Last evaluated 2024-09-21.

Conditions:
Phenylketonuria (PKU). Also called: Phenylketonuria (PKU); FOLLING DISEASE; OLIGOPHRENIA PHENYLPYRUVICA; Phenylketonurias. Identifiers: Orphanet 716, MedGen C0031485, MONDO:0009861, OMIM 261600. Disease mechanism: loss of function.

Submissions (2):

Natera, Inc.
Classification: Likely pathogenic for Phenylketonuria. Last evaluated: 2024-09-21. Review status: criteria provided, single submitter. Criteria: Natera Variant Classification Schema (03/2026). Collection method: clinical testing. Allele origin: germline.
Comment: The c.1249T>A variant in PAH is a missense variant predicted to cause substitution of tyrosine to asparagine at amino acid 417. This variant is rare in the general population with a frequency below the threshold expected for the associated phenotype(s). This variant has been observed in one or more individuals affected with the associated recessive disease, as either homozygous or compound heterozygous with a second variant (PMID: 26666653). A different variant at the same position has been determined to be Pathogenic or Likely Pathogenic. Computational prediction algorithms indicate this variant is likely to affect gene or protein function. Given the available evidence, this variant is classified as Likely Pathogenic.

DeBelle Laboratory for Biochemical Genetics, MUHC/MCH RESEARCH INSTITUTE
No classification provided. Review status: no classification provided. Collection method: not provided. Allele origin: not provided. Not counted in ClinVar's aggregate classification.

Literature cited by the submitters: PubMed 26666653 (cited by Natera, Inc.).